The following is an entry in ClinVar:

NM_000245.4(MET):c.2273G>A (p.Ser758Asn)

Gene: MET (MET proto-oncogene, receptor tyrosine kinase; plus strand). Cytogenetic location: 7q31.2.
Variant type: single nucleotide variant.
Coding change: c.2273G>A on transcript NM_000245.4 (MANE Select); coding-DNA position 2273, G replaced by A.
Protein change: p.Ser758Asn; replaces serine 758 with asparagine.
Molecular consequence: missense variant.
Genome position (GRCh38, 1-based): chr7:116,759,399, G>A. VCF-style: chr7-116759399-G-A. GRCh37 (hg19) VCF-style: chr7-116399453-G-A.
Other names: c.2273G>A, p.Ser758Asn (NM_001324401.3); c.983G>A, p.Ser328Asn (NM_001324402.2); c.2327G>A, p.Ser776Asn (NM_001127500.3); c.2327G>A (NM_001127500.1); short protein forms S328N, S776N, S758N.
Identifiers: ClinVar variation 1506579 (VCV001506579.11), dbSNP rs2116937610, ClinGen allele CA368981963.
Genomic context (GRCh38, chr7:116,759,399, plus strand): 5'-CTTGGTGGAAAGAACCTCTCAACATTGTCAGTTTTCTATTTTGCTTTGCCAGTGGTGGGA[G>A]CACAATAACAGGTGTTGGGAAAAACCTGAATTCAGTTAGTGTCCCGAGAATGGTCATAAA-3'
Protein context (NP_000236.2, residues 748-768): HPTKSFISGG[Ser758Asn]TITGVGKNLN

ClinVar aggregate classification (germline): Uncertain significance. Review status: criteria provided, multiple submitters, no conflicts (2 of 4 stars). 3 submissions from 3 submitters: Uncertain significance (3). Last evaluated 2026-06-18.

Conditions:
Renal cell carcinoma. Identifiers: Orphanet 217071, MedGen C0007134, MeSH D002292, MONDO:0005086, HP:0005584.
Hereditary cancer-predisposing syndrome. Also called: Hereditary Cancer Syndrome; Tumor predisposition; Neoplastic Syndromes, Hereditary; Hereditary neoplastic syndrome. Identifiers: Orphanet 140162, MedGen C0027672, MeSH D009386, MONDO:0015356.

Submissions (3):

Ambry Genetics
Classification: Uncertain significance for Hereditary cancer-predisposing syndrome. Last evaluated: 2026-06-18. Review status: criteria provided, single submitter. Criteria: Ambry Variant Classification Scheme 2023. Collection method: clinical testing. Allele origin: germline.
Comment: The p.S776N variant (also known as c.2327G>A), located in coding exon 9 of the MET gene, results from a G to A substitution at nucleotide position 2327. The serine at codon 776 is replaced by asparagine, an amino acid with highly similar properties. This amino acid position is highly conserved in available vertebrate species. In addition, the in silico prediction for this alteration is inconclusive. Based on the available evidence, the clinical significance of this variant remains unclear.

Dasa
Classification: Uncertain significance. Last evaluated: 2025-11-30. Review status: criteria provided, single submitter. Criteria: DASA Assertion Criteria. Collection method: clinical testing. Allele origin: germline.
Comment: NM_000245.4(MET):c.2273G>A (p.Ser758Asn) is a missense variant that results in the substitution of serine with asparagine. This variant is rare in population databases. The currently available literature and clinical evidence are not sufficient to establish a definitive association between this variant and the reported condition. Therefore, this variant is classified as a variant of uncertain significance.

Labcorp Genetics (formerly Invitae), Labcorp
Classification: Uncertain significance for Renal cell carcinoma. Last evaluated: 2020-12-07. Review status: criteria provided, single submitter. Criteria: Invitae Variant Classification Sherloc (09022015). Collection method: clinical testing. Allele origin: germline.
Comment: This sequence change replaces serine with asparagine at codon 776 of the MET protein (p.Ser776Asn). The serine residue is highly conserved and there is a small physicochemical difference between serine and asparagine. This variant is not present in population databases (ExAC no frequency). This variant has not been reported in the literature in individuals with MET-related conditions. Algorithms developed to predict the effect of missense changes on protein structure and function are either unavailable or do not agree on the potential impact of this missense change (SIFT: "Tolerated"; PolyPhen-2: "Probably Damaging"; Align-GVGD: "Class C0"). In summary, the available evidence is currently insufficient to determine the role of this variant in disease. Therefore, it has been classified as a Variant of Uncertain Significance.